The following is an entry in ClinVar:

ClinVar aggregate classification (germline): Likely pathogenic (1 of 4 stars; one submission).

Conditions:
MPI-congenital disorder of glycosylation. Also called: MANNOSEPHOSPHATE ISOMERASE DEFICIENCY; PROTEIN-LOSING ENTEROPATHY-HEPATIC FIBROSIS SYNDROME; CONGENITAL DISORDER OF GLYCOSYLATION, TYPE Ib; CDG Ib; MPI DEFICIENCY; MPI-CDG. Identifiers: Orphanet 79319, MedGen C1865145, MONDO:0011257, OMIM 602579.

Submission:

Labcorp Genetics (formerly Invitae), Labcorp
Classification: Likely pathogenic for MPI-congenital disorder of glycosylation. Last evaluated: 2023-01-24. Review status: criteria provided, single submitter. Criteria: Invitae Variant Classification Sherloc (09022015). Collection method: clinical testing. Allele origin: germline.
Comment: This sequence change affects a donor splice site in intron 1 of the MPI gene. It is expected to disrupt RNA splicing. Variants that disrupt the donor or acceptor splice site typically lead to a loss of protein function (PMID: 16199547), and loss-of-function variants in MPI are known to be pathogenic (PMID: 19862844). This variant is not present in population databases (gnomAD no frequency). This variant has not been reported in the literature in individuals affected with MPI-related conditions. Algorithms developed to predict the effect of sequence changes on RNA splicing suggest that this variant may disrupt the consensus splice site. In summary, the currently available evidence indicates that the variant is pathogenic, but additional data are needed to prove that conclusively. Therefore, this variant has been classified as Likely Pathogenic.

Literature cited by the submitters: PubMed 16199547; PubMed 19862844.

NM_002435.3(MPI):c.16+1G>A

Gene: MPI (mannose phosphate isomerase; plus strand). Cytogenetic location: 15q24.1.
Variant type: single nucleotide variant.
Coding change: c.16+1G>A on transcript NM_002435.3 (MANE Select); the canonical splice donor site of the intron after coding-DNA position 16, G replaced by A.
Molecular consequence: splice donor variant.
Genome position (GRCh38, 1-based): chr15:74,890,090, G>A. VCF-style: chr15-74890090-G-A. GRCh37 (hg19) VCF-style: chr15-75182431-G-A.
Other names: c.-134+1G>A (NM_001330372.2); c.16+1G>A (NM_001289155.2, NM_001289157.2); c.-7+1G>A (NM_001289156.2).
Identifiers: ClinVar variation 2780303 (VCV002780303.3), dbSNP rs2141194926, ClinGen allele CA393168632.